The following is an entry in ClinVar:

ClinVar aggregate classification (germline): Uncertain significance. Review status: criteria provided, multiple submitters, no conflicts (2 of 4 stars). 3 submissions from 3 submitters: Uncertain significance (3). Last evaluated 2024-04-02.

Conditions:
Familial thoracic aortic aneurysm and aortic dissection (TAAD). Also called: Thoracic aortic aneurysms and dissections. Identifiers: Orphanet 91387, MedGen C4707243, MONDO:0019625.
Marfan syndrome (MFS). Also called: FBN1-Related Marfan Syndrome; Marfan syndrome type 1; Marfan's syndrome; Marfan syndrome, classic; MARFAN SYNDROME, TYPE I. Identifiers: Orphanet 284963, Orphanet 558, MedGen C0024796, MONDO:0007947, OMIM 154700.

Allele frequency attached by ClinVar (database versions not stated): gnomAD exomes below 0.00001.
gnomAD v4.1: 1 of 1,614,102 alleles (0.000062%); highest among the groups gnomAD compares: Non-Finnish European, 0.000085%; no homozygotes.

Submissions (3):

Women's Health and Genetics/Laboratory Corporation of America, LabCorp
Classification: Uncertain significance. Last evaluated: 2024-04-02. Review status: criteria provided, single submitter. Criteria: LabCorp Variant Classification Summary - May 2015. Collection method: clinical testing. Allele origin: germline.
Comment: Variant summary: FBN1 c.2479T>C (p.Ser827Pro) results in a non-conservative amino acid change located in the EGF-like domain (IPR000742) of the encoded protein sequence. Five of five in-silico tools predict a damaging effect of the variant on protein function. The variant was absent in 251048 control chromosomes. The available data on variant occurrences in the general population are insufficient to allow any conclusion about variant significance. c.2479T>C has been reported in the literature in individuals affected with clinical features of Marfan Syndrome (e.g. Groth_2017). This report does not provide unequivocal conclusions about association of the variant with Marfan Syndrome. To our knowledge, no experimental evidence demonstrating an impact on protein function has been reported. The following publication has been ascertained in the context of this evaluation (PMID: 27906200). ClinVar contains an entry for this variant (Variation ID: 36051). Based on the evidence outlined above, the variant was classified as uncertain significance.

Labcorp Genetics (formerly Invitae), Labcorp
Classification: Uncertain significance for Marfan syndrome; Familial thoracic aortic aneurysm and aortic dissection. Last evaluated: 2024-01-15. Review status: criteria provided, single submitter. Criteria: Invitae Variant Classification Sherloc (09022015). Collection method: clinical testing. Allele origin: germline.
Comment: This sequence change replaces serine, which is neutral and polar, with proline, which is neutral and non-polar, at codon 827 of the FBN1 protein (p.Ser827Pro). This variant is not present in population databases (gnomAD no frequency). This missense change has been observed in individual(s) with clinical features of Marfan syndrome (PMID: 27906200). ClinVar contains an entry for this variant (Variation ID: 36051). Advanced modeling of protein sequence and biophysical properties (such as structural, functional, and spatial information, amino acid conservation, physicochemical variation, residue mobility, and thermodynamic stability) performed at Invitae indicates that this missense variant is expected to disrupt FBN1 protein function with a positive predictive value of 95%. In summary, the available evidence is currently insufficient to determine the role of this variant in disease. Therefore, it has been classified as a Variant of Uncertain Significance.

GeneDx
Classification: Uncertain significance. Last evaluated: 2023-11-16. Review status: criteria provided, single submitter. Criteria: GeneDx Variant Classification Process June 2021. Collection method: clinical testing. Allele origin: germline. Affected: yes.
Comment: Has not been previously published as pathogenic or benign in association with an FBN1-related disorder to our knowledge; Not observed at significant frequency in large population cohorts (gnomAD); Although located in a calcium-binding EGF-like domain of the FBN1 gene, it does not affect a cysteine residue within this domain; cysteine substitutions in the calcium-binding EGF-like domains represent the majority of pathogenic missense changes associated with FBN1-related disorders (Collod-Beroud et al., 2003); In silico analysis supports that this missense variant has a deleterious effect on protein structure/function; This variant is associated with the following publications: (PMID: 27906200, 12938084)

Literature cited by the submitters: PubMed 27906200 (cited by Women's Health and Genetics/Laboratory Corporation of America, LabCorp and Labcorp Genetics (formerly Invitae), Labcorp).

NM_000138.5(FBN1):c.2479T>C (p.Ser827Pro)

Gene: FBN1 (fibrillin 1; minus strand). Cytogenetic location: 15q21.1.
Variant type: single nucleotide variant.
Coding change: c.2479T>C on transcript NM_000138.5 (MANE Select); coding-DNA position 2479, T replaced by C.
Protein change: p.Ser827Pro; replaces serine 827 with proline.
Molecular consequence: missense variant.
Genome position (GRCh38, 1-based): chr15:48,495,529, A>G on the plus strand (T>C on the coding strand, the complement: FBN1 is on the minus strand). VCF-style: chr15-48495529-A-G. GRCh37 (hg19) VCF-style: chr15-48787726-A-G.
Other names: short protein forms S827P.
Identifiers: ClinVar variation 36051 (VCV000036051.8), dbSNP rs193922189, ClinGen allele CA013124.